The following is an entry in ClinVar:

ClinVar aggregate classification (germline): Likely benign. Review status: criteria provided, multiple submitters, no conflicts (2 of 4 stars). 3 submissions from 3 submitters: Likely benign (3). Last evaluated 2026-01-26.

Conditions:
Neurofibromatosis, type 2 (SWNV). Also called: SCHWANNOMATOSIS, VESTIBULAR; BILATERAL ACOUSTIC NEUROFIBROMATOSIS; NF2-Related Schwannomatosis. Identifiers: Orphanet 637, MedGen C0027832, MONDO:0007039, OMIM 101000. Disease mechanism: loss of function.

Allele frequency attached by ClinVar (database versions not stated): gnomAD exomes below 0.00001 and 0.00002; gnomAD 0.00002; TOPMed 0.00002.
gnomAD v4.1: 29 of 1,613,504 alleles (0.0018%); highest among the groups gnomAD compares: African/African-American, 0.004%; no homozygotes.

Submissions (3):

Labcorp Genetics (formerly Invitae), Labcorp
Classification: Likely benign for Neurofibromatosis, type 2. Last evaluated: 2026-01-26. Review status: criteria provided, single submitter. Criteria: Invitae Variant Classification Sherloc (09022015). Collection method: clinical testing. Allele origin: germline.

All of Us Research Program, National Institutes of Health
Classification: Likely benign for Neurofibromatosis, type 2. Last evaluated: 2023-12-01. Review status: criteria provided, single submitter. Criteria: ACMG Guidelines, 2015. Collection method: clinical testing. Allele origin: germline. Inheritance: Autosomal dominant inheritance. Observed: 5 variant alleles, 5 heterozygotes.
Comment: This study involves interpretation of variants in research participants for the purpose of population health screening. Participant phenotype was not available at the time of variant classification. Additional details can be found in publication PMID: 35346344, PMCID: PMC8962531

Color Diagnostics, LLC DBA Color Health
Classification: Likely benign for Neurofibromatosis, type 2. Last evaluated: 2022-11-14. Review status: criteria provided, single submitter. Criteria: ACMG Guidelines, 2015. Collection method: clinical testing. Allele origin: germline.

NM_000268.4(NF2):c.1575-6C>T

Gene: NF2 (NF2, moesin-ezrin-radixin like (MERLIN) tumor suppressor; plus strand). Cytogenetic location: 22q12.2.
Variant type: single nucleotide variant.
Coding change: c.1575-6C>T on transcript NM_000268.4 (MANE Select); 6 bases into the intron before coding-DNA position 1575, C replaced by T.
Molecular consequence: intron variant.
Genome position (GRCh38, 1-based): chr22:29,681,433, C>T. VCF-style: chr22-29681433-C-T. GRCh37 (hg19) VCF-style: chr22-30077422-C-T.
Other names: c.1575-6C>T (NM_016418.5, NM_181832.3, NM_181825.3); c.448-13319C>T (NM_181833.3); c.1452-6C>T (NM_181829.3); c.1449-6C>T (NM_181828.3); c.1326-6C>T (NM_181830.3, NM_181831.3).
Identifiers: ClinVar variation 704891 (VCV000704891.12), dbSNP rs1350177470, ClinGen allele CA639386528.